The following is an entry in ClinVar:

NM_004415.4(DSP):c.2311del (p.Arg771fs)

Gene: DSP (desmoplakin; plus strand). Cytogenetic location: 6p24.3.
Variant type: Deletion.
Coding change: c.2311del on transcript NM_004415.4 (MANE Select); coding-DNA position 2311, one base deleted (A; older notation c.2311delA).
Protein change: p.Arg771fs; shifts the reading frame from arginine 771.
Molecular consequence: frameshift variant.
Genome position (GRCh38, 1-based): chr6:7,574,670, A deleted; the last of 2 consecutive A bases (chr6:7,574,669-7,574,670); deleting either gives the same sequence. VCF-style (leftmost placement, unchanged base first): chr6-7574668-TA-T. GRCh37 (hg19) VCF-style: chr6-7574901-TA-T.
Other names: c.2311del, p.Arg771fs (NM_001008844.3, NM_001319034.2); short protein forms R771fs.
Identifiers: ClinVar variation 2950250 (VCV002950250.3), dbSNP rs2533905979, ClinGen allele CA2740094234.

ClinVar aggregate classification (germline): Pathogenic (1 of 4 stars; one submission).

Conditions:
Arrhythmogenic cardiomyopathy with wooly hair and keratoderma. Also called: PALMOPLANTAR KERATODERMA WITH LEFT VENTRICULAR CARDIOMYOPATHY AND WOOLLY HAIR; Carvajal syndrome; Dilated cardiomyopathy with woolly hair and keratoderma; Arrhythmogenic cardiomyopathy with woolly hair and keratoderma. Identifiers: Orphanet 65282, MedGen C1854063, MONDO:0011581, OMIM 605676.
Arrhythmogenic right ventricular dysplasia 8 (ARVD8). Also called: Arrhythmogenic Right Ventricular Dysplasia/Cardiomyopathy 8; ARRHYTHMOGENIC RIGHT VENTRICULAR DYSPLASIA, FAMILIAL, 8; ARRHYTHMOGENIC RIGHT VENTRICULAR CARDIOMYOPATHY 8. Identifiers: MedGen C1843896, MONDO:0011831, OMIM 607450.

Submission:

Labcorp Genetics (formerly Invitae), Labcorp
Classification: Pathogenic for Arrhythmogenic cardiomyopathy with wooly hair and keratoderma; Arrhythmogenic right ventricular dysplasia 8. Last evaluated: 2023-12-30. Review status: criteria provided, single submitter. Criteria: Invitae Variant Classification Sherloc (09022015). Collection method: clinical testing. Allele origin: germline.
Comment: This sequence change creates a premature translational stop signal (p.Arg771Glyfs*14) in the DSP gene. It is expected to result in an absent or disrupted protein product. Loss-of-function variants in DSP are known to be pathogenic (PMID: 20716751, 24503780, 25227139). This variant is not present in population databases (gnomAD no frequency). This variant has not been reported in the literature in individuals affected with DSP-related conditions. For these reasons, this variant has been classified as Pathogenic.

Literature cited by the submitters: PubMed 20716751; PubMed 24503780; PubMed 25227139.